The following is an entry in ClinVar:

NM_000169.3(GLA):c.1115T>G (p.Leu372Arg)

Genes: GLA (galactosidase alpha; minus strand), RPL36A-HNRNPH2 (RPL36A-HNRNPH2 readthrough; plus strand). Cytogenetic location: Xq22.1.
Variant type: single nucleotide variant.
Coding change: c.1115T>G on transcript NM_000169.3 (MANE Select); coding-DNA position 1115, T replaced by G.
Protein change: p.Leu372Arg; replaces leucine 372 with arginine.
Molecular consequence: missense variant. On other transcripts: non-coding transcript variant (3), intron variant (2).
Genome position (GRCh38, 1-based): chrX:101,397,984, A>C on the plus strand (T>G on the coding strand, the complement: GLA is on the minus strand). VCF-style: chrX-101397984-A-C. GRCh37 (hg19) VCF-style: chrX-100652972-A-C.
Other names: c.1238T>G, p.Leu413Arg (NM_001406747.1); c.300+2527A>C (NM_001199973.2); c.177+6162A>C (NM_001199974.2); short protein forms L372R, L413R.
Identifiers: ClinVar variation 4087641 (VCV004087641.2).

ClinVar aggregate classification (germline): Likely pathogenic (1 of 4 stars; one submission).

Conditions:
Fabry disease. Also called: ALPHA-GALACTOSIDASE A DEFICIENCY; ANDERSON-FABRY DISEASE; CERAMIDE TRIHEXOSIDASE DEFICIENCY; GLA DEFICIENCY; HEREDITARY DYSTOPIC LIPIDOSIS; Angiokeratoma corporis diffusum. Identifiers: Orphanet 324, MedGen C0002986, MONDO:0010526, OMIM 301500, HP:0001071. Disease mechanism: Fabry disease is due to inactivating mutations in the X-linked GLA gene resulting in deficiency of the enzyme Alpha Galactosidase-A., loss of function.

Submission:

Genomenon, Inc
Classification: Likely pathogenic for Fabry disease. Last evaluated: 2026-09-08. Review status: criteria provided, single submitter. Criteria: Genomenon Sequence Variant Interpretation Standards - Updated. Collection method: curation. Allele origin: germline. Affected: yes.
Comment: GLA p.Leu372Arg (c.1115T>G) is a missense variant that changes the amino acid at codon 372 from Leucine to Arginine. This variant has been observed in at least one proband with clinical features consistent with Fabry disease (PMID:20022777). At least one functional study has demonstrated a substantial alteration in protein function relative to the wild-type (PMID:32023956;27657681). It is absent or not present at a significant frequency in gnomAD. In silico models predict that this variant is possibly or probably damaging. In conclusion, we classify GLA p.Leu372Arg (c.1115T>G) as a likely pathogenic variant.

Literature cited by the submitters: PubMed 20022777; PubMed 32023956; PubMed 27657681.